The following is an entry in ClinVar:

NM_001010874.5(TECRL):c.325G>A (p.Glu109Lys)

Gene: TECRL (trans-2,3-enoyl-CoA reductase like; minus strand). Cytogenetic location: 4q13.1.
Variant type: single nucleotide variant.
Coding change: c.325G>A on transcript NM_001010874.5 (MANE Select); coding-DNA position 325, G replaced by A.
Protein change: p.Glu109Lys; replaces glutamic acid 109 with lysine.
Molecular consequence: missense variant.
Genome position (GRCh38, 1-based): chr4:64,328,518, C>T on the plus strand (G>A on the coding strand, the complement: TECRL is on the minus strand). VCF-style: chr4-64328518-C-T. GRCh37 (hg19) VCF-style: chr4-65194236-C-T.
Other names: c.325G>A, p.Glu109Lys (NM_001363796.1); short protein forms E109K.
Identifiers: ClinVar variation 1729516 (VCV001729516.2), dbSNP rs760350383, ClinGen allele CA2935600.

ClinVar aggregate classification (germline): Uncertain significance (1 of 4 stars; one submission).

Conditions:
Cardiovascular phenotype. Identifiers: MedGen CN230736.

Allele frequency attached by ClinVar (database versions not stated): ExAC 0.00001; gnomAD 0.00001; gnomAD exomes 0.00001.
gnomAD v4.1: 9 of 1,611,170 alleles (0.00056%); highest among the groups gnomAD compares: Non-Finnish European, 0.00076%; no homozygotes.

Submission:

Ambry Genetics
Classification: Uncertain significance for Cardiovascular phenotype. Last evaluated: 2022-04-03. Review status: criteria provided, single submitter. Criteria: Ambry Variant Classification Scheme 2023. Collection method: clinical testing. Allele origin: germline.
Comment: The p.E109K variant (also known as c.325G>A), located in coding exon 3 of the TECRL gene, results from a G to A substitution at nucleotide position 325. The glutamic acid at codon 109 is replaced by lysine, an amino acid with similar properties. This amino acid position is conserved. In addition, this alteration is predicted to be tolerated by in silico analysis. Since supporting evidence is limited at this time, the clinical significance of this alteration remains unclear.